The following is an entry in ClinVar:

NM_001966.4(EHHADH):c.89G>A (p.Arg30His)

Gene: EHHADH (enoyl-CoA hydratase and 3-hydroxyacyl CoA dehydrogenase; minus strand). Cytogenetic location: 3q27.2.
Variant type: single nucleotide variant.
Coding change: c.89G>A on transcript NM_001966.4 (MANE Select); coding-DNA position 89, G replaced by A.
Protein change: p.Arg30His; replaces arginine 30 with histidine.
Molecular consequence: missense variant. On other transcripts: 5 prime UTR variant (1).
Genome position (GRCh38, 1-based): chr3:185,248,503, C>T on the plus strand (G>A on the coding strand, the complement: EHHADH is on the minus strand). VCF-style: chr3-185248503-C-T. GRCh37 (hg19) VCF-style: chr3-184966291-C-T.
Other names: c.-200G>A (NM_001166415.2); short protein forms R30H.
Identifiers: ClinVar variation 4978631 (VCV004978631.1).

ClinVar aggregate classification (germline): Uncertain significance (1 of 4 stars; one submission).

Conditions:
EHHADH-related disorder. Also called: EHHADH-related condition.

gnomAD v4.1: 27 of 1,610,144 alleles (0.0017%); highest among the groups gnomAD compares: South Asian, 0.0044%; no homozygotes.

Submission:

PreventionGenetics, part of Exact Sciences
Classification: Uncertain significance for EHHADH-related condition. Last evaluated: 2025-11-21. Review status: criteria provided, single submitter. Criteria: ACMG Guidelines, 2015. Collection method: clinical testing. Allele origin: germline.
Comment: The EHHADH c.89G>A variant is predicted to result in the amino acid substitution p.Arg30His. To our knowledge, this variant has not been reported in the literature. This variant is reported in 0.0033% of alleles in individuals of South Asian descent in gnomAD. At this time, the clinical significance of this variant is uncertain due to the absence of conclusive functional and genetic evidence.